The following is an entry in ClinVar:

NM_201384.3(PLEC):c.2325C>T (p.Asn775=)

Gene: PLEC (plectin; minus strand). Cytogenetic location: 8q24.3.
Variant type: single nucleotide variant.
Coding change: c.2325C>T on transcript NM_201384.3 (MANE Select); coding-DNA position 2325, C replaced by T.
Protein change: p.Asn775=; no amino-acid change (asparagine 775 retained).
Molecular consequence: synonymous variant.
Genome position (GRCh38, 1-based): chr8:143,930,516, G>A on the plus strand (C>T on the coding strand, the complement: PLEC is on the minus strand). VCF-style: chr8-143930516-G-A. GRCh37 (hg19) VCF-style: chr8-145004684-G-A.
Other names: c.2406C>T, p.Asn802= (NM_000445.5); c.2283C>T, p.Asn761= (NM_201378.4); c.2259C>T, p.Asn753= (NM_201379.3); c.2736C>T, p.Asn912= (NM_201380.4); c.2229C>T, p.Asn743= (NM_201381.3); c.2325C>T, p.Asn775= (NM_201382.4); c.2337C>T, p.Asn779= (NM_201383.3).
Identifiers: ClinVar variation 789423 (VCV000789423.11), dbSNP rs868907651, ClinGen allele CA187619440.

ClinVar aggregate classification (germline): Likely benign. Review status: criteria provided, multiple submitters, no conflicts (2 of 4 stars). 2 submissions from 2 submitters: Likely benign (2). Last evaluated 2025-10-01.

Conditions:
PLEC-related disorder. Also called: PLEC-related condition; PLEC-related disorders.
Epidermolysis bullosa simplex 5C, with pyloric atresia (EBS5C). Also called: PLEC-Related Epidermolysis Bullosa with Pyloric Atresia; Epidermolysis bullosa simplex with pyloric atresia; PLEC1-Related Epidermolysis Bullosa with Pyloric Atresia. Identifiers: Orphanet 158684, MedGen C2677349, MONDO:0012807, OMIM 612138.
Epidermolysis bullosa simplex 5B, with muscular dystrophy (EBS5B). Also called: EPIDERMOLYSIS BULLOSA SIMPLEX AND LIMB-GIRDLE MUSCULAR DYSTROPHY; Epidermolysis bullosa simplex with muscular dystrophy. Identifiers: Orphanet 257, MedGen C2931072, MONDO:0009181, OMIM 226670.
Epidermolysis bullosa simplex with nail dystrophy (EBS5D). Identifiers: MedGen C4225309, MONDO:0014661, OMIM 616487.
Epidermolysis bullosa simplex, Ogna type (EBS5A). Also called: Pidermolysis bullosa simplex 5A, Ogna type; EPIDERMOLYSIS BULLOSA SIMPLEX 5A, OGNA TYPE. Identifiers: Orphanet 79401, MedGen C0432317, MONDO:0007555, OMIM 131950.
Autosomal recessive limb-girdle muscular dystrophy type 2Q (LGMDR17). Also called: MUSCULAR DYSTROPHY, LIMB-GIRDLE, AUTOSOMAL RECESSIVE 17. Identifiers: Orphanet 254361, MedGen C3150989, MONDO:0013390, OMIM 613723.

Allele frequency attached by ClinVar (database versions not stated): gnomAD exomes 0.00003; gnomAD 0.00004; TOPMed 0.00006.
gnomAD v4.1: 87 of 1,595,590 alleles (0.0055%); highest among the groups gnomAD compares: Middle Eastern, 0.033%; no homozygotes.

Submissions (2):

Labcorp Genetics (formerly Invitae), Labcorp
Classification: Likely benign for Autosomal recessive limb-girdle muscular dystrophy type 2Q; Epidermolysis bullosa simplex, Ogna type; Epidermolysis bullosa simplex with nail dystrophy; Epidermolysis bullosa simplex 5C, with pyloric atresia; Epidermolysis bullosa simplex 5B, with muscular dystrophy. Last evaluated: 2025-10-01. Review status: criteria provided, single submitter. Criteria: Invitae Variant Classification Sherloc (09022015). Collection method: clinical testing. Allele origin: germline.

PreventionGenetics, part of Exact Sciences
Classification: Likely benign for PLEC-related condition. Last evaluated: 2025-07-24. Review status: criteria provided, single submitter. Criteria: ACMG Guidelines, 2015. Collection method: clinical testing. Allele origin: germline.
Comment: This variant is classified as likely benign based on ACMG/AMP sequence variant interpretation guidelines (Richards et al. 2015 PMID: 25741868, with internal and published modifications).